The following is an entry in ClinVar:

NM_001458.5(FLNC):c.86C>T (p.Ala29Val)

Gene: FLNC (filamin C; plus strand). Cytogenetic location: 7q32.1.
Variant type: single nucleotide variant.
Coding change: c.86C>T on transcript NM_001458.5 (MANE Select); coding-DNA position 86, C replaced by T.
Protein change: p.Ala29Val; replaces alanine 29 with valine.
Molecular consequence: missense variant.
Genome position (GRCh38, 1-based): chr7:128,830,723, C>T. VCF-style: chr7-128830723-C-T. GRCh37 (hg19) VCF-style: chr7-128470777-C-T.
Other names: c.86C>T, p.Ala29Val (NM_001127487.2); short protein forms A29V.
Identifiers: ClinVar variation 1510248 (VCV001510248.8), dbSNP rs2128932114, ClinGen allele CA369215665.

ClinVar aggregate classification (germline): Uncertain significance (1 of 4 stars; one submission).

Conditions:
Myofibrillar myopathy 5. Also called: Filaminopathy (type); FILAMINOPATHY, AUTOSOMAL DOMINANT. Identifiers: Orphanet 171445, MedGen C1836050, MONDO:0012289, OMIM 609524.
Distal myopathy with posterior leg and anterior hand involvement. Also called: WILLIAMS DISTAL MYOPATHY. Identifiers: Orphanet 63273, MedGen C3279722, MONDO:0013550, OMIM 614065.
Hypertrophic cardiomyopathy 26. Also called: Cardiomyopathy, familial hypertrophic, 26. Identifiers: Orphanet 75249, MedGen C4310749, MONDO:0014883, OMIM 617047.

Submission:

Labcorp Genetics (formerly Invitae), Labcorp
Classification: Uncertain significance for Distal myopathy with posterior leg and anterior hand involvement; Myofibrillar myopathy 5; Hypertrophic cardiomyopathy 26. Last evaluated: 2024-04-10. Review status: criteria provided, single submitter. Criteria: Invitae Variant Classification Sherloc (09022015). Collection method: clinical testing. Allele origin: germline.
Comment: This sequence change replaces alanine, which is neutral and non-polar, with valine, which is neutral and non-polar, at codon 29 of the FLNC protein (p.Ala29Val). This variant is not present in population databases (gnomAD no frequency). This variant has not been reported in the literature in individuals affected with FLNC-related conditions. ClinVar contains an entry for this variant (Variation ID: 1510248). Advanced modeling of protein sequence and biophysical properties (such as structural, functional, and spatial information, amino acid conservation, physicochemical variation, residue mobility, and thermodynamic stability) has been performed at Invitae for this missense variant, however the output from this modeling did not meet the statistical confidence thresholds required to predict the impact of this variant on FLNC protein function. In summary, the available evidence is currently insufficient to determine the role of this variant in disease. Therefore, it has been classified as a Variant of Uncertain Significance.